The following is an entry in ClinVar:

ClinVar aggregate classification (germline): Uncertain significance. Review status: criteria provided, multiple submitters, no conflicts (2 of 4 stars). 4 submissions from 4 submitters: Uncertain significance (4). Last evaluated 2025-12-11.

Conditions:
Cardiovascular phenotype. Identifiers: MedGen CN230736.
Familial hypercholesterolemia. Also called: Familial hypercholesterolaemia; Familial hypercholesterolemias. Identifiers: MedGen C0020445, MONDO:0005439.
Hypercholesterolemia, autosomal dominant, 3 (FHCL3). Also called: PCSK9-Related Familial Hypercholesterolemia, Autosomal Dominant; Familial Hypercholesterolemia, Autosomal Dominant, 3; Familial hypercholesterolemia 3. Identifiers: MedGen C1863551, MONDO:0011369, OMIM 603776.

gnomAD v4.1: 11 of 1,613,826 alleles (0.00068%); highest among the groups gnomAD compares: South Asian, 0.0011%; no homozygotes.

Submissions (4):

Ambry Genetics
Classification: Uncertain significance for Cardiovascular phenotype. Last evaluated: 2025-12-11. Review status: criteria provided, single submitter. Criteria: Ambry Variant Classification Scheme 2023. Collection method: clinical testing. Allele origin: germline.
Comment: The p.R659Q variant (also known as c.1976G>A), located in coding exon 12 of the PCSK9 gene, results from a G to A substitution at nucleotide position 1976. The arginine at codon 659 is replaced by glutamine, an amino acid with highly similar properties. This amino acid position is conserved. In addition, this alteration is predicted to be tolerated by in silico analysis. Based on the available evidence, the clinical significance of this variant remains unclear.

Labcorp Genetics (formerly Invitae), Labcorp
Classification: Uncertain significance for Hypercholesterolemia, autosomal dominant, 3. Last evaluated: 2025-07-20. Review status: criteria provided, single submitter. Criteria: Invitae Variant Classification Sherloc (09022015). Collection method: clinical testing. Allele origin: germline.
Comment: This sequence change replaces arginine, which is basic and polar, with glutamine, which is neutral and polar, at codon 659 of the PCSK9 protein (p.Arg659Gln). This variant is present in population databases (no rsID available, gnomAD 0.0009%). This variant has not been reported in the literature in individuals affected with PCSK9-related conditions. ClinVar contains an entry for this variant (Variation ID: 3070449). Invitae Evidence Modeling of protein sequence and biophysical properties (such as structural, functional, and spatial information, amino acid conservation, physicochemical variation, residue mobility, and thermodynamic stability) indicates that this missense variant is not expected to disrupt PCSK9 protein function with a negative predictive value of 95%. In summary, the available evidence is currently insufficient to determine the role of this variant in disease. Therefore, it has been classified as a Variant of Uncertain Significance.

Color Diagnostics, LLC DBA Color Health
Classification: Uncertain significance for Familial hypercholesterolemia. Last evaluated: 2024-03-06. Review status: criteria provided, single submitter. Criteria: ACMG Guidelines, 2015. Collection method: clinical testing. Allele origin: germline.
Comment: This missense variant replaces arginine with glutamine at codon 659 of the PCSK9 protein. Computational prediction suggests that this variant may not impact protein structure and function (internally defined REVEL score threshold <= 0.5, PMID: 27666373). To our knowledge, functional studies have not been reported for this variant. This variant has not been reported in individuals affected with PCSK9-related disorders in the literature. This variant has been identified in 1/250970 chromosomes in the general population by the Genome Aggregation Database (gnomAD). The available evidence is insufficient to determine the role of this variant in disease conclusively. Therefore, this variant is classified as a Variant of Uncertain Significance.

All of Us Research Program, National Institutes of Health
Classification: Uncertain significance for Hypercholesterolemia, autosomal dominant, 3. Last evaluated: 2024-02-05. Review status: criteria provided, single submitter. Criteria: ACMG Guidelines, 2015. Collection method: clinical testing. Allele origin: germline. Inheritance: Autosomal dominant inheritance. Observed: 3 variant alleles, 3 heterozygotes.
Comment: This missense variant replaces arginine with glutamine at codon 659 of the PCSK9 protein. Computational prediction suggests that this variant may not impact protein structure and function (internally defined REVEL score threshold <= 0.5, PMID: 27666373). To our knowledge, functional studies have not been reported for this variant. This variant has not been reported in individuals affected with PCSK9-related disorders in the literature. This variant has been identified in 1/250970 chromosomes in the general population by the Genome Aggregation Database (gnomAD). The available evidence is insufficient to determine the role of this variant in disease conclusively. Therefore, this variant is classified as a Variant of Uncertain Significance.

This study involves interpretation of variants in research participants for the purpose of population health screening. Participant phenotype was not available at the time of variant classification. Additional details can be found in publication PMID: 35346344, PMCID: PMC8962531

NM_174936.4(PCSK9):c.1976G>A (p.Arg659Gln)

Gene: PCSK9 (proprotein convertase subtilisin/kexin type 9; plus strand). Cytogenetic location: 1p32.3.
Variant type: single nucleotide variant.
Coding change: c.1976G>A on transcript NM_174936.4 (MANE Select); coding-DNA position 1976, G replaced by A.
Protein change: p.Arg659Gln; replaces arginine 659 with glutamine.
Molecular consequence: missense variant. On other transcripts: non-coding transcript variant (8).
Genome position (GRCh38, 1-based): chr1:55,063,481, G>A. VCF-style: chr1-55063481-G-A. GRCh37 (hg19) VCF-style: chr1-55529154-G-A.
Other names: c.2099G>A, p.Arg700Gln (NM_001407240.1); c.2018G>A, p.Arg673Gln (NM_001407241.1); c.1979G>A, p.Arg660Gln (NM_001407242.1); c.1919G>A, p.Arg640Gln (NM_001407243.1); c.1802G>A, p.Arg601Gln (NM_001407244.1); c.1784G>A, p.Arg595Gln (NM_001407245.1); c.1601G>A, p.Arg534Gln (NM_001407246.1); c.1475G>A, p.Arg492Gln (NM_001407247.1); short protein forms R492Q, R534Q, R595Q, R601Q, R640Q, R659Q, R660Q, R673Q.
Identifiers: ClinVar variation 3070449 (VCV003070449.4), dbSNP rs780214893, ClinGen allele CA22768370.